The following is an entry in ClinVar:

NM_012452.3(TNFRSF13B):c.40C>T (p.Arg14Cys)

Gene: TNFRSF13B (TNF receptor superfamily member 13B; minus strand). Cytogenetic location: 17p11.2.
Variant type: single nucleotide variant.
Coding change: c.40C>T on transcript NM_012452.3 (MANE Select); coding-DNA position 40, C replaced by T.
Protein change: p.Arg14Cys; replaces arginine 14 with cysteine.
Molecular consequence: missense variant.
Genome position (GRCh38, 1-based): chr17:16,972,036, G>A on the plus strand (C>T on the coding strand, the complement: TNFRSF13B is on the minus strand). VCF-style: chr17-16972036-G-A. GRCh37 (hg19) VCF-style: chr17-16875350-G-A.
Other names: short protein forms R14C.
Identifiers: ClinVar variation 1007664 (VCV001007664.5), dbSNP rs370503383, ClinGen allele CA8414159.

ClinVar aggregate classification (germline): Uncertain significance. Review status: criteria provided, single submitter (1 of 4 stars). 2 submissions from 2 submitters: Uncertain significance (1). 1 of the submissions does not count toward it. Last evaluated 2023-12-07.

Conditions:
Immunodeficiency, common variable, 2 (CVID2). Also called: ANTIBODY DEFICIENCY DUE TO TACI DEFECT; HYPOGAMMAGLOBULINEMIA DUE TO TACI DEFICIENCY. Identifiers: Orphanet 1572, MedGen C3150354, MONDO:0009413, OMIM 240500.

Allele frequency attached by ClinVar (database versions not stated): TOPMed 0.00001; 1000 Genomes Project 0.00020; gnomAD 0.00001; ESP Exome Variant Server 0.00008; 1000 Genomes Project 30x 0.00031.
gnomAD v4.1: 41 of 1,614,058 alleles (0.0025%); highest among the groups gnomAD compares: Admixed American, 0.005%; no homozygotes.

Submissions (2):

Labcorp Genetics (formerly Invitae), Labcorp
Classification: Uncertain significance for Immunodeficiency, common variable, 2. Last evaluated: 2023-12-07. Review status: criteria provided, single submitter. Criteria: Invitae Variant Classification Sherloc (09022015). Collection method: clinical testing. Allele origin: germline.
Comment: This sequence change replaces arginine, which is basic and polar, with cysteine, which is neutral and slightly polar, at codon 14 of the TNFRSF13B protein (p.Arg14Cys). This variant is present in population databases (rs370503383, gnomAD 0.009%). This variant has not been reported in the literature in individuals affected with TNFRSF13B-related conditions. ClinVar contains an entry for this variant (Variation ID: 1007664). Advanced modeling of protein sequence and biophysical properties (such as structural, functional, and spatial information, amino acid conservation, physicochemical variation, residue mobility, and thermodynamic stability) has been performed at Invitae for this missense variant, however the output from this modeling did not meet the statistical confidence thresholds required to predict the impact of this variant on TNFRSF13B protein function. In summary, the available evidence is currently insufficient to determine the role of this variant in disease. Therefore, it has been classified as a Variant of Uncertain Significance.

Department of Pathology and Laboratory Medicine, Sinai Health System
Classification: Uncertain significance. Review status: no assertion criteria provided. Collection method: clinical testing. Allele origin: unknown. Affected: yes. Study: The Canadian Open Genetics Repository (COGR). Not counted in ClinVar's aggregate classification.
Comment: The TNFRSF13B p.R14C variant was not identified in the literature nor was it identified in ClinVar. The variant was identified in dbSNP (ID: rs370503383) and in control databases in 12 of 251340 chromosomes at a frequency of 0.00004774 (freq: 0.00007037) (Genome Aggregation Database March 6, 2019, v2.1.1). The p.R14 residue is not conserved in mammals and computational analyses (MUT Assesor, PolyPhen-2, SIFT, MutationTaster, Revel, FATHMM, MetaLR, DANN) provide inconsistent predictions regarding the impact to the protein; this information is not very predictive of pathogenicity. The variant occurs outside of the splicing consensus sequence and in silico or computational prediction software programs (Splice AI exome) do not predict a difference in splicing. In summary, based on the above information the clinical significance of this variant cannot be determined with certainty at this time. This variant is classified as a variant of uncertain significance.